The following is an entry in ClinVar:

ClinVar aggregate classification (germline): Uncertain significance. Review status: criteria provided, multiple submitters, no conflicts (2 of 4 stars). 2 submissions from 2 submitters: Uncertain significance (2). Last evaluated 2019-05-10.

Conditions:
Rafiq syndrome (RAFQS). Identifiers: Orphanet 88616, MedGen C3280127, MONDO:0013624, OMIM 614202.

Allele frequency attached by ClinVar (database versions not stated): gnomAD exomes 0.00002; TOPMed 0.00003; gnomAD 0.00004; ESP Exome Variant Server 0.00015; ExAC 0.00002.
gnomAD v4.1: 53 of 1,613,152 alleles (0.0033%); highest among the groups gnomAD compares: Non-Finnish European, 0.0041%; no homozygotes.

Submissions (2):

Baylor Genetics
Classification: Uncertain significance for Rafiq syndrome. Last evaluated: 2019-05-10. Review status: criteria provided, single submitter. Criteria: ACMG Guidelines, 2015. Collection method: clinical testing. Allele origin: unknown. Affected: yes.
Comment: This variant was determined to be of uncertain significance according to ACMG Guidelines, 2015 [PMID:25741868].

Illumina Laboratory Services, Illumina
Classification: Uncertain significance for Rafiq syndrome. Last evaluated: 2018-01-13. Review status: criteria provided, single submitter. Criteria: ICSL Variant Classification Criteria 13 December 2019. Collection method: clinical testing. Allele origin: germline.

NM_016219.5(MAN1B1):c.1724A>G (p.Asn575Ser)

Gene: MAN1B1 (mannosidase alpha class 1B member 1; plus strand). Cytogenetic location: 9q34.3.
Variant type: single nucleotide variant.
Coding change: c.1724A>G on transcript NM_016219.5 (MANE Select); coding-DNA position 1724, A replaced by G.
Protein change: p.Asn575Ser; replaces asparagine 575 with serine.
Molecular consequence: missense variant. On other transcripts: non-coding transcript variant (2).
Genome position (GRCh38, 1-based): chr9:137,107,407, A>G. VCF-style: chr9-137107407-A-G. GRCh37 (hg19) VCF-style: chr9-140001859-A-G.
Other names: short protein forms N575S.
Identifiers: ClinVar variation 365969 (VCV000365969.6), dbSNP rs375378489, ClinGen allele CA5359343.